The following is an entry in ClinVar:

NM_002234.4(KCNA5):c.1354G>C (p.Val452Leu)

Gene: KCNA5 (potassium voltage-gated channel subfamily A member 5; plus strand). Cytogenetic location: 12p13.32.
Variant type: single nucleotide variant.
Coding change: c.1354G>C on transcript NM_002234.4 (MANE Select); coding-DNA position 1354, G replaced by C.
Protein change: p.Val452Leu; replaces valine 452 with leucine.
Molecular consequence: missense variant.
Genome position (GRCh38, 1-based): chr12:5,045,501, G>C. VCF-style: chr12-5045501-G-C. GRCh37 (hg19) VCF-style: chr12-5154667-G-C.
Other names: c.1354G>C (NM_002234.2); short protein forms V452L.
Identifiers: ClinVar variation 574366 (VCV000574366.9), dbSNP rs1486417435, ClinGen allele CA383466302.
Genomic context (GRCh38, chr12:5,045,501, plus strand): 5'-AGGGAGCTGGGGCTGCTCATCTTCTTCCTCTTCATCGGGGTCATCCTCTTCTCCAGTGCC[G>C]TCTACTTCGCAGAGGCTGACAACCAGGGAACCCATTTCTCTAGCATCCCTGACGCCTTCT-3'
Protein context (NP_002225.2, residues 442-462): FIGVILFSSA[Val452Leu]YFAEADNQGT

ClinVar aggregate classification (germline): Uncertain significance. Review status: criteria provided, multiple submitters, no conflicts (2 of 4 stars). 2 submissions from 2 submitters: Uncertain significance (2). Last evaluated 2025-12-24.

Conditions:
Atrial fibrillation, familial, 7 (ATFB7). Identifiers: MedGen C2677106, MONDO:0012828, OMIM 612240.

Allele frequency attached by ClinVar (database versions not stated): gnomAD exomes below 0.00001.

Submissions (2):

Labcorp Genetics (formerly Invitae), Labcorp
Classification: Uncertain significance for Atrial fibrillation, familial, 7. Last evaluated: 2025-12-24. Review status: criteria provided, single submitter. Criteria: Invitae Variant Classification Sherloc (09022015). Collection method: clinical testing. Allele origin: germline.
Comment: This sequence change replaces valine, which is neutral and non-polar, with leucine, which is neutral and non-polar, at codon 452 of the KCNA5 protein (p.Val452Leu). This variant is present in population databases (no rsID available, gnomAD 0.0009%). This variant has not been reported in the literature in individuals affected with KCNA5-related conditions. ClinVar contains an entry for this variant (Variation ID: 574366). Invitae Evidence Modeling of protein sequence and biophysical properties (such as structural, functional, and spatial information, amino acid conservation, physicochemical variation, residue mobility, and thermodynamic stability) indicates that this missense variant is not expected to disrupt KCNA5 protein function with a negative predictive value of 80%. In summary, the available evidence is currently insufficient to determine the role of this variant in disease. Therefore, it has been classified as a Variant of Uncertain Significance.

GeneDx
Classification: Uncertain significance. Last evaluated: 2024-08-19. Review status: criteria provided, single submitter. Criteria: GeneDx Variant Classification Process June 2021. Collection method: clinical testing. Allele origin: germline. Affected: yes.
Comment: Has not been previously published as pathogenic or benign to our knowledge; Not observed at significant frequency in large population cohorts (gnomAD); In silico analysis supports that this missense variant has a deleterious effect on protein structure/function